The following is an entry in ClinVar:

NM_005932.4(MIPEP):c.1088G>T (p.Gly363Val)

Gene: MIPEP (mitochondrial intermediate peptidase; minus strand). Cytogenetic location: 13q12.12.
Variant type: single nucleotide variant.
Coding change: c.1088G>T on transcript NM_005932.4 (MANE Select); coding-DNA position 1088, G replaced by T.
Protein change: p.Gly363Val; replaces glycine 363 with valine.
Molecular consequence: missense variant.
Genome position (GRCh38, 1-based): chr13:23,858,878, C>A on the plus strand (G>T on the coding strand, the complement: MIPEP is on the minus strand). VCF-style: chr13-23858878-C-A. GRCh37 (hg19) VCF-style: chr13-24433017-C-A.
Other names: short protein forms G363V.
Identifiers: ClinVar variation 1030037 (VCV001030037.1), dbSNP rs1870163153, ClinGen allele CA387525063.
Genomic context (GRCh38, chr13:23,858,878, plus strand): 5'-CCTTTTTCCTTTTCCTGTACGGGTATTTCTTGAAAAACTTACCTTTCTGCACGAATCACA[C>A]CACTGTAGTAAGGGGGGTCCCAGGGCATTACTTCCTACAATGGAATAATTCACTGTTAAG-3'
Protein context (NP_005923.3, residues 353-373): VMPWDPPYYS[Gly363Val]VIRAERYNIE

ClinVar aggregate classification (germline): Uncertain significance (1 of 4 stars; one submission).

Conditions:
Lethal left ventricular non-compaction-seizures-hypotonia-cataract-developmental delay syndrome. Also called: Combined oxidative phosphorylation deficiency 31. Identifiers: Orphanet 478049, MedGen C4310661, MONDO:0014976, OMIM 617228.

Submission:

Baylor Genetics
Classification: Uncertain significance for Lethal left ventricular non-compaction-seizures-hypotonia-cataract-developmental delay syndrome. Last evaluated: 2020-01-16. Review status: criteria provided, single submitter. Criteria: ACMG Guidelines, 2015. Collection method: clinical testing. Allele origin: unknown. Affected: yes.
Comment: This variant was determined to be of uncertain significance according to ACMG Guidelines, 2015 [PMID:25741868].